The following is an entry in ClinVar:

NM_001386140.1(MTTP):c.787G>A (p.Ala263Thr)

Gene: MTTP (microsomal triglyceride transfer protein; plus strand). Cytogenetic location: 4q23.
Variant type: single nucleotide variant.
Coding change: c.787G>A on transcript NM_001386140.1 (MANE Select); coding-DNA position 787, G replaced by A.
Protein change: p.Ala263Thr; replaces alanine 263 with threonine.
Molecular consequence: missense variant.
Genome position (GRCh38, 1-based): chr4:99,594,761, G>A. VCF-style: chr4-99594761-G-A. GRCh37 (hg19) VCF-style: chr4-100515918-G-A.
Other names: c.787G>A, p.Ala263Thr (NM_000253.4); c.538G>A, p.Ala180Thr (NM_001300785.2); short protein forms A180T, A263T.
Identifiers: ClinVar variation 1339902 (VCV001339902.3), dbSNP rs755170053, ClinGen allele CA357505700.
Genomic context (GRCh38, chr4:99,594,761, plus strand): 5'-ATAATATAGCATTTCCCTTTGGTATTATGCAGGCAGAAATTAGAGCTGAAGACAACCGAA[G>A]CAGGCCCAAGATTGATGTCTGGAAAGCAGGCTGCAGCCATAATCAAAGCAGTTGATTCAA-3'
Protein context (NP_001373069.1, residues 253-273): KQKLELKTTE[Ala263Thr]GPRLMSGKQA

ClinVar aggregate classification (germline): Uncertain significance (1 of 4 stars; one submission).

Submission:

Blueprint Genetics
Classification: Uncertain significance. Last evaluated: 2020-11-11. Review status: criteria provided, single submitter. Criteria: ACMG Guidelines, 2015. Collection method: clinical testing. Allele origin: germline.